The following is an entry in ClinVar:

NM_001205293.3(CACNA1E):c.5898G>C (p.Leu1966=)

Gene: CACNA1E (calcium voltage-gated channel subunit alpha1 E; plus strand). Cytogenetic location: 1q25.3.
Variant type: single nucleotide variant.
Coding change: c.5898G>C on transcript NM_001205293.3 (MANE Select); coding-DNA position 5898, G replaced by C.
Protein change: p.Leu1966=; no amino-acid change (leucine 1966 retained).
Molecular consequence: synonymous variant.
Genome position (GRCh38, 1-based): chr1:181,790,556, G>C. VCF-style: chr1-181790556-G-C. GRCh37 (hg19) VCF-style: chr1-181759692-G-C.
Other names: c.5898G>C, p.Leu1966= (NM_000721.4); c.5841G>C, p.Leu1947= (NM_001205294.2).
Identifiers: ClinVar variation 1803556 (VCV001803556.1), dbSNP rs2529287203, ClinGen allele CA422092735.
Genomic context (GRCh38, chr1:181,790,556, plus strand): 5'-ATTCCAGTTGGCTTGTATGGACCCCGCCGATGACGGACAGTTCCAAGAACGGCAGTCTCT[G>C]GTGAATGCATGAGTTATATGACCTCAAAACTACTTCCTTGGTTTCCTGATCCCTCTCACT-3'
Protein context (NP_001192222.1, residues 1956-1976): DDGQFQERQS[Leu1966=]EPEVSELKSV

ClinVar aggregate classification (germline): Uncertain significance (1 of 4 stars; one submission).

Submission:

GeneDx
Classification: Uncertain significance. Last evaluated: 2022-06-06. Review status: criteria provided, single submitter. Criteria: GeneDx Variant Classification Process June 2021. Collection method: clinical testing. Allele origin: germline. Affected: yes.
Comment: Has not been previously published as pathogenic or benign to our knowledge; Not observed at significant frequency in large population cohorts (gnomAD); Non-canonical splice site variant demonstrated to result in loss of function in a gene or region of a gene for which loss of function is not a well-established mechanism of disease